The following is an entry in ClinVar:

ClinVar aggregate classification (germline): Uncertain significance. Review status: criteria provided, multiple submitters, no conflicts (2 of 4 stars). 2 submissions from 2 submitters: Uncertain significance (2). Last evaluated 2025-10-02.

Conditions:
DDX3X-related disorder. Also called: DDX3X-related condition.

Submissions (2):

Labcorp Genetics (formerly Invitae), Labcorp
Classification: Uncertain significance. Last evaluated: 2025-10-02. Review status: criteria provided, single submitter. Criteria: Invitae Variant Classification Sherloc (09022015). Collection method: clinical testing. Allele origin: germline.
Comment: This sequence change replaces tyrosine, which is neutral and polar, with cysteine, which is neutral and slightly polar, at codon 651 of the DDX3X protein (p.Tyr651Cys). This variant is not present in population databases (gnomAD no frequency). This variant has not been reported in the literature in individuals affected with DDX3X-related conditions. ClinVar contains an entry for this variant (Variation ID: 2093650). Experimental studies and prediction algorithms are not available or were not evaluated, and the functional significance of this variant is currently unknown. In summary, the available evidence is currently insufficient to determine the role of this variant in disease. Therefore, it has been classified as a Variant of Uncertain Significance.

PreventionGenetics, part of Exact Sciences
Classification: Uncertain significance for DDX3X-related condition. Last evaluated: 2023-07-10. Review status: criteria provided, single submitter. Criteria: ACMG Guidelines, 2015. Collection method: clinical testing. Allele origin: germline.
Comment: The DDX3X c.1952A>G variant is predicted to result in the amino acid substitution p.Tyr651Cys. To our knowledge, this variant has not been reported in the literature or in a large population database, indicating this variant is rare. At this time, the clinical significance of this variant is uncertain due to the absence of conclusive functional and genetic evidence.

NM_001356.5(DDX3X):c.1955A>G (p.Tyr652Cys)

Gene: DDX3X (DEAD-box helicase 3 X-linked; plus strand). Cytogenetic location: Xp11.4.
Variant type: single nucleotide variant.
Coding change: c.1955A>G on transcript NM_001356.5 (MANE Select); coding-DNA position 1955, A replaced by G.
Protein change: p.Tyr652Cys; replaces tyrosine 652 with cysteine.
Molecular consequence: missense variant. On other transcripts: non-coding transcript variant (1).
Genome position (GRCh38, 1-based): chrX:41,347,685, A>G. VCF-style: chrX-41347685-A-G. GRCh37 (hg19) VCF-style: chrX-41206938-A-G.
Other names: c.1952A>G, p.Tyr651Cys (NM_001193416.3); c.1907A>G, p.Tyr636Cys (NM_001193417.3); c.1394A>G, p.Tyr465Cys (NM_001363819.1); c.1952A>G (NM_001193416.2); short protein forms Y652C, Y465C, Y636C, Y651C.
Identifiers: ClinVar variation 2093650 (VCV002093650.5), dbSNP rs2519529046, ClinGen allele CA412780813.
Genomic context (GRCh38, chrX:41,347,685, plus strand): 5'-TAAATCTCTCATTAGGTGGCTATGGAGGCTTTTACAACAGTGATGGATATGGAGGAAATT[A>G]TAACTCCCAGGGGGTTGACTGGTGGGGTAACTGAGCCTGCTTTGCAGTAGGTCACCCTGC-3'
Protein context (NP_001347.3, residues 642-662): FYNSDGYGGN[Tyr652Cys]NSQGVDWWGN